The following is an entry in ClinVar:

NM_001130698.2(TRPC3):c.167G>C (p.Arg56Pro)

Gene: TRPC3 (transient receptor potential cation channel subfamily C member 3; minus strand). Cytogenetic location: 4q27.
Variant type: single nucleotide variant.
Coding change: c.167G>C on transcript NM_001130698.2 (MANE Select); coding-DNA position 167, G replaced by C.
Protein change: p.Arg56Pro; replaces arginine 56 with proline.
Molecular consequence: missense variant.
Genome position (GRCh38, 1-based): chr4:121,951,514, C>G on the plus strand (G>C on the coding strand, the complement: TRPC3 is on the minus strand). VCF-style: chr4-121951514-C-G. GRCh37 (hg19) VCF-style: chr4-122872669-C-G.
Other names: c.167G>C, p.Arg56Pro (NM_001366479.2); short protein forms R56P.
Identifiers: ClinVar variation 1945494 (VCV001945494.5), dbSNP rs1578667764, ClinGen allele CA358053043.

ClinVar aggregate classification (germline): Uncertain significance (1 of 4 stars; one submission).

Allele frequency attached by ClinVar (database versions not stated): gnomAD 0.00002; gnomAD exomes 0.00002.
gnomAD v4.1: 27 of 1,379,456 alleles (0.002%); highest among the groups gnomAD compares: Middle Eastern, 0.08%; no homozygotes.

Submission:

Labcorp Genetics (formerly Invitae), Labcorp
Classification: Uncertain significance. Last evaluated: 2024-10-08. Review status: criteria provided, single submitter. Criteria: Invitae Variant Classification Sherloc (09022015). Collection method: clinical testing. Allele origin: germline.
Comment: This sequence change replaces arginine, which is basic and polar, with proline, which is neutral and non-polar, at codon 56 of the TRPC3 protein (p.Arg56Pro). This variant is not present in population databases (gnomAD no frequency). This variant has not been reported in the literature in individuals affected with TRPC3-related conditions. ClinVar contains an entry for this variant (Variation ID: 1945494). An algorithm developed to predict the effect of missense changes on protein structure and function (PolyPhen-2) suggests that this variant is likely to be tolerated. In summary, the available evidence is currently insufficient to determine the role of this variant in disease. Therefore, it has been classified as a Variant of Uncertain Significance.